The following is an entry in ClinVar:

NM_015981.4(CAMK2A):c.1304A>G (p.Asp435Gly)

Gene: CAMK2A (calcium/calmodulin dependent protein kinase II alpha; minus strand). Cytogenetic location: 5q32.
Variant type: single nucleotide variant.
Coding change: c.1304A>G on transcript NM_015981.4 (MANE Select); coding-DNA position 1304, A replaced by G.
Protein change: p.Asp435Gly; replaces aspartic acid 435 with glycine.
Molecular consequence: missense variant.
Genome position (GRCh38, 1-based): chr5:150,223,151, T>C on the plus strand (A>G on the coding strand, the complement: CAMK2A is on the minus strand). VCF-style: chr5-150223151-T-C. GRCh37 (hg19) VCF-style: chr5-149602714-T-C.
Other names: c.1304A>G, p.Asp435Gly (NM_001363989.1); c.1271A>G, p.Asp424Gly (NM_001363990.1, NM_001369025.2, NM_171825.3); short protein forms D424G, D435G.
Identifiers: ClinVar variation 3364224 (VCV003364224.1).

ClinVar aggregate classification (germline): Uncertain significance (1 of 4 stars; one submission).

Submission:

GeneDx
Classification: Uncertain significance. Last evaluated: 2023-11-14. Review status: criteria provided, single submitter. Criteria: GeneDx Variant Classification Process June 2021. Collection method: clinical testing. Allele origin: germline. Affected: yes.
Comment: Not observed at significant frequency in large population cohorts (gnomAD); In silico analysis supports that this missense variant has a deleterious effect on protein structure/function; Has not been previously published as pathogenic or benign to our knowledge